The following is an entry in ClinVar:

GRCh37/hg19 15q26.1-26.3(chr15:93918298-102429112)x1

Genes: ADAMTS17 (ADAM metallopeptidase with thrombospondin type 1 motif 17; minus strand), ALDH1A3 (aldehyde dehydrogenase 1 family member A3; plus strand), ARRDC4 (arrestin domain containing 4; plus strand), ASB7 (ankyrin repeat and SOCS box containing 7; plus strand), CERS3 (ceramide synthase 3; minus strand) and 20 more. Cytogenetic location: 15q26.1-26.3.
Variant type: copy number loss.
Change: copy number 1 (one copy instead of two) of chr15:93,918,298-102,429,112 (8.51 Mb, GRCh37 coordinates, 1-based), cytogenetic band 15q26.1-26.3.
Identifiers: ClinVar variation 3391927 (VCV003391927.1).

ClinVar aggregate classification (germline): Pathogenic (1 of 4 stars; one submission).

Submission:

Quest Diagnostics Nichols Institute San Juan Capistrano
Classification: Pathogenic. Last evaluated: 2023-10-17. Review status: criteria provided, single submitter. Criteria: ACMG/ClinGen CNV Guidelines, 2019. Collection method: clinical testing. Allele origin: unknown.
Comment: This loss falls within the 15q26-qter deletion syndrome region (OMIM 612626) and involves proposed critical genes IGF1R (OMIM 147370) and NR2F2 (OMIM 107773). 15q26-qter deletion syndrome is characterized by variable phenotypes (Giabicani 2020). Haploinsufficiency of IGF1R is associated with growth delay due to insulin-like growth factor I resistance (OMIM 270450; ISCA-11663). Thus, this copy number variant (CNV) is classified as pathogenic. References: Giabicani et al., J Med Genet. 2020 Mar;57(3):160-168. PMID: 31586944